The following is an entry in ClinVar:

ClinVar aggregate classification (germline): Uncertain significance (1 of 4 stars; one submission).

Conditions:
Epilepsy, familial adult myoclonic, 5 (EPEO5). Also called: CORTICAL MYOCLONIC TREMOR WITH EPILEPSY, FAMILIAL, 5. Identifiers: Orphanet 86814, MedGen C3809374, MONDO:0014167, OMIM 615400.

Submission:

Labcorp Genetics (formerly Invitae), Labcorp
Classification: Uncertain significance for Epilepsy, familial adult myoclonic, 5. Last evaluated: 2022-02-15. Review status: criteria provided, single submitter. Criteria: Invitae Variant Classification Sherloc (09022015). Collection method: clinical testing. Allele origin: germline.
Comment: In summary, the available evidence is currently insufficient to determine the role of this variant in disease. Therefore, it has been classified as a Variant of Uncertain Significance. Advanced modeling of protein sequence and biophysical properties (such as structural, functional, and spatial information, amino acid conservation, physicochemical variation, residue mobility, and thermodynamic stability) performed at Invitae indicates that this missense variant is not expected to disrupt CNTN2 protein function. This variant has not been reported in the literature in individuals affected with CNTN2-related conditions. This variant is not present in population databases (gnomAD no frequency). This sequence change replaces isoleucine, which is neutral and non-polar, with valine, which is neutral and non-polar, at codon 969 of the CNTN2 protein (p.Ile969Val).

NM_005076.5(CNTN2):c.2905A>G (p.Ile969Val)

Genes: CNTN2 (contactin 2; plus strand), LOC126805985 (MED14-independent group 3 enhancer GRCh37_chr1:205041546-205042745; plus strand). Cytogenetic location: 1q32.1.
Variant type: single nucleotide variant.
Coding change: c.2905A>G on transcript NM_005076.5 (MANE Select); coding-DNA position 2905, A replaced by G.
Protein change: p.Ile969Val; replaces isoleucine 969 with valine.
Molecular consequence: missense variant. On other transcripts: non-coding transcript variant (1).
Genome position (GRCh38, 1-based): chr1:205,073,128, A>G. VCF-style: chr1-205073128-A-G. GRCh37 (hg19) VCF-style: chr1-205042256-A-G.
Other names: c.2905A>G, p.Ile969Val (NM_001346083.2); short protein forms I969V.
Identifiers: ClinVar variation 2097777 (VCV002097777.4), dbSNP rs2526430738, ClinGen allele CA344383201.